The following is an entry in ClinVar:

NM_058172.6(ANTXR2):c.1287_1288del (p.Arg429fs)

Gene: ANTXR2 (ANTXR cell adhesion molecule 2; minus strand). Cytogenetic location: 4q21.21.
Variant type: Deletion.
Coding change: c.1287_1288del on transcript NM_058172.6 (MANE Select); coding-DNA positions 1287 to 1288, 2 bases deleted (AC; older notation c.1287_1288delAC).
Protein change: p.Arg429fs; shifts the reading frame from arginine 429.
Molecular consequence: frameshift variant.
Genome position (GRCh38, 1-based): chr4:79,978,066-79,978,067, GT deleted on the plus strand (AC on the coding strand, the reverse complement: ANTXR2 is on the minus strand). VCF-style (leftmost placement, unchanged base first): chr4-79978065-GGT-G. GRCh37 (hg19) VCF-style: chr4-80899219-GGT-G.
Other names: c.1287_1288del, p.Arg429fs (NM_001145794.2); c.1056_1057del, p.Arg352fs (NM_001286780.2, NM_001286781.2); short protein forms R352fs, R429fs.
Identifiers: ClinVar variation 2431432 (VCV002431432.1), dbSNP rs2475931922, ClinGen allele CA2580071823.

ClinVar aggregate classification (germline): Likely pathogenic (1 of 4 stars; one submission).

Conditions:
Hyaline fibromatosis syndrome (HFS). Also called: Hyalinosis, Inherited Systemic; HYALINOSIS, SYSTEMIC. Identifiers: Orphanet 2028, Orphanet 498474, MedGen C5574677, MONDO:0009229, OMIM 228600.

Submission:

Laboratorio de Genetica e Diagnostico Molecular, Hospital Israelita Albert Einstein
Classification: Likely pathogenic for Hyaline fibromatosis syndrome. Last evaluated: 2023-02-03. Review status: criteria provided, single submitter. Criteria: ACMG Guidelines, 2015. Collection method: clinical testing. Allele origin: germline. Affected: yes. Observed: 1 variant allele.
Comment: ACMG classification criteria: PVS1 very strong, PM2 moderated